The following is an entry in ClinVar:

NM_000400.4(ERCC2):c.1585G>A (p.Ala529Thr)

Gene: ERCC2 (ERCC excision repair 2, TFIIH core complex helicase subunit; minus strand). Cytogenetic location: 19q13.32.
Variant type: single nucleotide variant.
Coding change: c.1585G>A on transcript NM_000400.4 (MANE Select); coding-DNA position 1585, G replaced by A.
Protein change: p.Ala529Thr; replaces alanine 529 with threonine.
Molecular consequence: missense variant.
Genome position (GRCh38, 1-based): chr19:45,354,810, C>T on the plus strand (G>A on the coding strand, the complement: ERCC2 is on the minus strand). VCF-style: chr19-45354810-C-T. GRCh37 (hg19) VCF-style: chr19-45858068-C-T.
Other names: short protein forms A529T.
Identifiers: ClinVar variation 1208552 (VCV001208552.9), dbSNP rs370819591, ClinGen allele CA9513194.
Genomic context (GRCh38, chr19:45,354,810, plus strand): 5'-CGGTGCTCTCCATGTACTGGTAGCTGGTGAAGAAGGCCACGATGCCATCAGGGACCACAG[C>T]GGACATCTCCAGCAGGAGGTTCCCATAGTTCCGGATCACAGCTGCAAGGGGTCAGAGGTT-3'
Protein context (NP_000391.1, residues 519-539): NYGNLLLEMS[Ala529Thr]VVPDGIVAFF

ClinVar aggregate classification (germline): Conflicting classifications of pathogenicity. Review status: criteria provided, conflicting classifications (1 of 4 stars). 3 submissions from 3 submitters: Uncertain significance (2); Likely benign (1). Last evaluated 2024-05-03.

Conditions:
Cerebrooculofacioskeletal syndrome 2 (COFS2). Identifiers: MedGen C1853102, MONDO:0012553, OMIM 610756.
Xeroderma pigmentosum, group D (XPD). Also called: XERODERMA PIGMENTOSUM IV; XP, GROUP D; XP, GROUP H; XERODERMA PIGMENTOSUM, COMPLEMENTATION GROUP D; ERCC2-Related Xeroderma Pigmentosum. Identifiers: MedGen C0268138, MONDO:0010212, OMIM 278730.
Trichothiodystrophy 1, photosensitive (TTD1). Also called: TAY SYNDROME; TRICHOTHIODYSTROPHY WITH CONGENITAL ICHTHYOSIS; PIBIDS SYNDROME. Identifiers: Orphanet 33364, MedGen C1866504, MONDO:0011125, OMIM 601675.

Allele frequency attached by ClinVar (database versions not stated): ExAC 0.00002; TOPMed 0.00002; gnomAD exomes 0.00004; ESP Exome Variant Server 0.00008.

Submissions (3):

Fulgent Genetics
Classification: Uncertain significance for Xeroderma pigmentosum, group D; Trichothiodystrophy 1, photosensitive; Cerebrooculofacioskeletal syndrome 2. Last evaluated: 2024-05-03. Review status: criteria provided, single submitter. Criteria: ACMG Guidelines, 2015. Collection method: clinical testing. Allele origin: germline.

Labcorp Genetics (formerly Invitae), Labcorp
Classification: Uncertain significance. Last evaluated: 2022-04-01. Review status: criteria provided, single submitter. Criteria: Invitae Variant Classification Sherloc (09022015). Collection method: clinical testing. Allele origin: germline.
Comment: This sequence change replaces alanine, which is neutral and non-polar, with threonine, which is neutral and polar, at codon 529 of the ERCC2 protein (p.Ala529Thr). This variant is present in population databases (rs370819591, gnomAD 0.03%). This variant has not been reported in the literature in individuals affected with ERCC2-related conditions. ClinVar contains an entry for this variant (Variation ID: 1208552). Algorithms developed to predict the effect of missense changes on protein structure and function (SIFT, PolyPhen-2, Align-GVGD) all suggest that this variant is likely to be tolerated. In summary, the available evidence is currently insufficient to determine the role of this variant in disease. Therefore, it has been classified as a Variant of Uncertain Significance.

GeneDx
Classification: Likely benign. Last evaluated: 2021-05-04. Review status: criteria provided, single submitter. Criteria: GeneDx Variant Classification Process June 2021. Collection method: clinical testing. Allele origin: germline. Affected: yes.
Comment: In silico analysis, which includes protein predictors and evolutionary conservation, supports that this variant does not alter protein structure/function; Has not been previously published as pathogenic or benign to our knowledge; This variant is associated with the following publications: (PMID: 27085493)